The following is an entry in ClinVar:

NM_002972.4(SBF1):c.3856C>T (p.Leu1286=)

Gene: SBF1 (SET binding factor 1; minus strand). Cytogenetic location: 22q13.33.
Variant type: single nucleotide variant.
Coding change: c.3856C>T on transcript NM_002972.4 (MANE Select); coding-DNA position 3856, C replaced by T.
Protein change: p.Leu1286=; no amino-acid change (leucine 1286 retained).
Molecular consequence: synonymous variant. On other transcripts: intron variant (1).
Genome position (GRCh38, 1-based): chr22:50,457,082, G>A on the plus strand (C>T on the coding strand, the complement: SBF1 is on the minus strand). VCF-style: chr22-50457082-G-A. GRCh37 (hg19) VCF-style: chr22-50895511-G-A.
Other names: p.Leu1286=; c.3830-409C>T (NM_001365819.1).
Identifiers: ClinVar variation 779480 (VCV000779480.43), dbSNP rs139035064, ClinGen allele CA10316519.

ClinVar aggregate classification (germline): Benign/Likely benign. Review status: criteria provided, multiple submitters, no conflicts (2 of 4 stars). 6 submissions from 6 submitters: Benign (5); Likely benign (1). Last evaluated 2026-08-01.

Allele frequency attached by ClinVar (database versions not stated): gnomAD 0.00100 and 0.00131; TOPMed 0.00120; ESP Exome Variant Server 0.00146; gnomAD exomes 0.00149 and 0.00255; 1000 Genomes Project 30x 0.00187; 1000 Genomes Project 0.00200; ExAC 0.00752.
gnomAD v4.1: 2,238 of 1,491,022 alleles (0.15%); highest among the groups gnomAD compares: South Asian, 0.97%; 14 homozygotes.

Submissions (6):

CeGaT Center for Human Genetics Tuebingen
Classification: Benign. Last evaluated: 2026-08-01. Review status: criteria provided, single submitter. Criteria: CeGaT Center For Human Genetics Tuebingen Variant Classification Criteria Version 2. Collection method: clinical testing. Allele origin: germline. Affected: yes. Observed: 2 variant alleles.
Comment: SBF1: BS1, BS2

Labcorp Genetics (formerly Invitae), Labcorp
Classification: Benign. Last evaluated: 2026-01-25. Review status: criteria provided, single submitter. Criteria: Invitae Variant Classification Sherloc (09022015). Collection method: clinical testing. Allele origin: germline.

Blueprint Genetics
Classification: Likely benign. Last evaluated: 2024-11-28. Review status: criteria provided, single submitter. Criteria: ACMG Guidelines, 2015. Collection method: clinical testing. Allele origin: germline.

Mayo Clinic Laboratories, Mayo Clinic
Classification: Benign. Last evaluated: 2022-01-20. Review status: criteria provided, single submitter. Criteria: ACMG Guidelines, 2015. Collection method: clinical testing. Allele origin: germline. Observed: 4 variant alleles.
Comment: BS1, BS2, BP4, BP7

GeneDx
Classification: Benign. Last evaluated: 2019-05-23. Review status: criteria provided, single submitter. Criteria: GeneDx Variant Classification Process June 2021. Collection method: clinical testing. Allele origin: germline. Affected: yes.

Breakthrough Genomics
Classification: Benign. Review status: criteria provided, single submitter. Criteria: ACMG Guidelines, 2015. Collection method: not provided. Allele origin: germline. Inheritance: Autosomal recessive inheritance. Affected: yes.